The following is an entry in ClinVar:

ClinVar aggregate classification (germline): Pathogenic. Review status: criteria provided, single submitter (1 of 4 stars). 2 submissions from 2 submitters: Pathogenic (1). 1 of the submissions does not count toward it. Last evaluated 2025-02-20.

Conditions:
Glycine encephalopathy. Also called: Non-ketotic hyperglycinemia; Nonketotic hyperglycinemia. Identifiers: Orphanet 407, MedGen C0751748, MONDO:0011612, HP:0008288.
Glycine encephalopathy 1 (GCE1). Identifiers: MedGen CN376801, MONDO:0958179, OMIM 605899.

Submissions (2):

Natera, Inc.
Classification: Pathogenic for Non-ketotic hyperglycinemia. Last evaluated: 2025-02-20. Review status: criteria provided, single submitter. Criteria: Natera Variant Classification Schema (03/2026). Collection method: clinical testing. Allele origin: germline.
Comment: The c.2458-1G>T variant in GLDC is a canonical splice acceptor site variant predicted to affect pre-mRNA splicing, which may result in an abnormal transcript and altered protein product. This variant is expected to result in nonsense mediated decay, truncation, or a dysfunctional protein product. This variant is rare in the general population with a frequency below the threshold expected for the associated phenotype(s). Another variant at this same site results in an alteration predicted to cause a similar molecular effect has been observed in individual(s) with the associated phenotype. Given the available evidence, this variant is classified as Pathogenic.

Counsyl
Classification: Likely pathogenic for Glycine encephalopathy 1. Last evaluated: 2017-12-04. Review status: no assertion criteria provided. Collection method: clinical testing. Allele origin: unknown. Not counted in ClinVar's aggregate classification.

NM_000170.3(GLDC):c.2458-1G>T

Gene: GLDC (glycine decarboxylase; minus strand). Cytogenetic location: 9p24.1.
Variant type: single nucleotide variant.
Coding change: c.2458-1G>T on transcript NM_000170.3 (MANE Select); the canonical splice acceptor site of the intron before coding-DNA position 2458, G replaced by T.
Molecular consequence: splice acceptor variant.
Genome position (GRCh38, 1-based): chr9:6,550,915, C>A on the plus strand (G>T on the coding strand, the complement: GLDC is on the minus strand). VCF-style: chr9-6550915-C-A. GRCh37 (hg19) VCF-style: chr9-6550915-C-A.
Identifiers: ClinVar variation 555402 (VCV000555402.4), dbSNP rs1554643370, ClinGen allele CA372876706.